The following is an entry in ClinVar:

NM_012330.4(KAT6B):c.5836C>A (p.Arg1946Ser)

Gene: KAT6B (lysine acetyltransferase 6B; plus strand). Cytogenetic location: 10q22.2.
Variant type: single nucleotide variant.
Coding change: c.5836C>A on transcript NM_012330.4 (MANE Select); coding-DNA position 5836, C replaced by A.
Protein change: p.Arg1946Ser; replaces arginine 1946 with serine.
Molecular consequence: missense variant.
Genome position (GRCh38, 1-based): chr10:75,030,660, C>A. VCF-style: chr10-75030660-C-A. GRCh37 (hg19) VCF-style: chr10-76790418-C-A.
Other names: c.5287C>A, p.Arg1763Ser (NM_001256468.2, NM_001370138.1); c.4960C>A, p.Arg1654Ser (NM_001256469.2, NM_001370139.1, NM_001370140.1 and 2 more transcripts); c.4798C>A, p.Arg1600Ser (NM_001370132.1); c.4147C>A, p.Arg1383Ser (NM_001370133.1); c.3751C>A, p.Arg1251Ser (NM_001370134.1); c.3493C>A, p.Arg1165Ser (NM_001370135.1); c.5836C>A, p.Arg1946Ser (NM_001370136.1, NM_001370137.1); c.4771C>A, p.Arg1591Ser (NM_001370143.1, NM_001370144.1); short protein forms R1165S, R1251S, R1383S, R1591S, R1600S, R1654S, R1763S, R1946S.
Identifiers: ClinVar variation 4529550 (VCV004529550.1).
Genomic context (GRCh38, chr10:75,030,660, plus strand): 5'-AGAACCAAGTCAGCGTCTCTGTCACCAGCCGCTGCCACCCATCAGTCACAAATCTATGGG[C>A]GCTCCCAGACTGTAGCCATGCAGGGTCCTGCACGGACTTTAACGATGCAAAGAGGCATGA-3'
Protein context (NP_036462.2, residues 1936-1956): AATHQSQIYG[Arg1946Ser]SQTVAMQGPA

ClinVar aggregate classification (germline): Uncertain significance (1 of 4 stars; one submission).

Submission:

GeneDx
Classification: Uncertain significance. Last evaluated: 2025-05-14. Review status: criteria provided, single submitter. Criteria: GeneDx Variant Classification Process June 2021. Collection method: clinical testing. Allele origin: germline. Affected: yes.
Comment: Not observed at significant frequency in large population cohorts (gnomAD); In silico analysis supports that this missense variant has a deleterious effect on protein structure/function; Has not been previously published as pathogenic or benign to our knowledge